The following is an entry in ClinVar:

NM_178822.5(IGSF10):c.2194T>G (p.Ser732Ala)

Gene: IGSF10 (immunoglobulin superfamily member 10; minus strand). Cytogenetic location: 3q25.1.
Variant type: single nucleotide variant.
Coding change: c.2194T>G on transcript NM_178822.5 (MANE Select); coding-DNA position 2194, T replaced by G.
Protein change: p.Ser732Ala; replaces serine 732 with alanine.
Molecular consequence: missense variant.
Genome position (GRCh38, 1-based): chr3:151,447,787, A>C on the plus strand (T>G on the coding strand, the complement: IGSF10 is on the minus strand). VCF-style: chr3-151447787-A-C. GRCh37 (hg19) VCF-style: chr3-151165575-A-C.
Other names: c.2194T>G, p.Ser732Ala (NM_001385060.1, NM_001385061.1, NM_001385062.1 and 1 more transcripts); short protein forms S732A.
Identifiers: ClinVar variation 4729657 (VCV004729657.1).

ClinVar aggregate classification (germline): Uncertain significance (1 of 4 stars; one submission).

gnomAD v4.1: 1 of 1,614,126 alleles (0.000062%); highest among the groups gnomAD compares: Non-Finnish European, 0.000085%; no homozygotes.

Submission:

Labcorp Genetics (formerly Invitae), Labcorp
Classification: Uncertain significance. Last evaluated: 2025-10-22. Review status: criteria provided, single submitter. Criteria: Invitae Variant Classification Sherloc (09022015). Collection method: clinical testing. Allele origin: germline.
Comment: This sequence change replaces serine, which is neutral and polar, with alanine, which is neutral and non-polar, at codon 732 of the IGSF10 protein (p.Ser732Ala). This variant is present in population databases (no rsID available, gnomAD 0.0009%). This variant has not been reported in the literature in individuals affected with IGSF10-related conditions. An algorithm developed to predict the effect of missense changes on protein structure and function outputs the following: PolyPhen-2: "Benign". The alanine amino acid residue is found in multiple mammalian species, which suggests that this missense change does not adversely affect protein function. In summary, the available evidence is currently insufficient to determine the role of this variant in disease. Therefore, it has been classified as a Variant of Uncertain Significance.